The following is an entry in ClinVar:

NM_001378454.1(ALMS1):c.11814C>G (p.Leu3938=)

Gene: ALMS1 (ALMS1 centrosome and basal body associated protein; plus strand). Cytogenetic location: 2p13.1.
Variant type: single nucleotide variant.
Coding change: c.11814C>G on transcript NM_001378454.1 (MANE Select); coding-DNA position 11814, C replaced by G.
Protein change: p.Leu3938=; no amino-acid change (leucine 3938 retained).
Molecular consequence: synonymous variant.
Genome position (GRCh38, 1-based): chr2:73,600,823, C>G. VCF-style: chr2-73600823-C-G. GRCh37 (hg19) VCF-style: chr2-73827950-C-G.
Other names: c.11817C>G, p.Leu3939= (NM_015120.4).
Identifiers: ClinVar variation 3057351 (VCV003057351.1), dbSNP rs2466520502, ClinGen allele CA426783015.

ClinVar aggregate classification (germline): Likely benign (1 of 4 stars; one submission).

Conditions:
ALMS1-related disorder. Also called: ALMS1-related condition.

Submission:

PreventionGenetics, part of Exact Sciences
Classification: Likely benign for ALMS1-related condition. Last evaluated: 2019-04-04. Review status: criteria provided, single submitter. Criteria: ACMG Guidelines, 2015. Collection method: clinical testing. Allele origin: germline.
Comment: This variant is classified as likely benign based on ACMG/AMP sequence variant interpretation guidelines (Richards et al. 2015 PMID: 25741868, with internal and published modifications).